The following is an entry in ClinVar:

ClinVar aggregate classification (germline): Uncertain significance. Review status: criteria provided, multiple submitters, no conflicts (2 of 4 stars). 3 submissions from 3 submitters: Uncertain significance (3). Last evaluated 2025-10-13.

Conditions:
Cardiovascular phenotype. Identifiers: MedGen CN230736.
RASopathy. Also called: rasopathies; Noonan spectrum disorder. Identifiers: Orphanet 536391, MedGen C5555857, MONDO:0021060.

gnomAD v4.1: 2 of 1,614,140 alleles (0.00012%); highest among the groups gnomAD compares: East Asian, 0.0022%; no homozygotes.

Submissions (3):

Labcorp Genetics (formerly Invitae), Labcorp
Classification: Uncertain significance for RASopathy. Last evaluated: 2025-10-13. Review status: criteria provided, single submitter. Criteria: Invitae Variant Classification Sherloc (09022015). Collection method: clinical testing. Allele origin: germline.
Comment: This sequence change replaces tyrosine, which is neutral and polar, with cysteine, which is neutral and slightly polar, at codon 340 of the RAF1 protein (p.Tyr340Cys). This variant is not present in population databases (gnomAD no frequency). This variant has not been reported in the literature in individuals affected with RAF1-related conditions. ClinVar contains an entry for this variant (Variation ID: 845011). Invitae Evidence Modeling of protein sequence and biophysical properties (such as structural, functional, and spatial information, amino acid conservation, physicochemical variation, residue mobility, and thermodynamic stability) indicates that this missense variant is expected to disrupt RAF1 protein function with a positive predictive value of 95%. In summary, the available evidence is currently insufficient to determine the role of this variant in disease. Therefore, it has been classified as a Variant of Uncertain Significance.

Molecular Diagnostic Laboratory for Inherited Cardiovascular Disease, Montreal Heart Institute
Classification: Uncertain significance for Cardiovascular phenotype. Last evaluated: 2025-04-09. Review status: criteria provided, single submitter. Criteria: ACMG Guidelines, 2015. Collection method: clinical testing. Allele origin: germline. Affected: yes.
Comment: PM2, PP2, BP5

Ambry Genetics
Classification: Uncertain significance for Cardiovascular phenotype. Last evaluated: 2020-10-16. Review status: criteria provided, single submitter. Criteria: Ambry Variant Classification Scheme 2023. Collection method: clinical testing. Allele origin: germline.
Comment: The p.Y340C variant (also known as c.1019A>G), located in coding exon 9 of the RAF1 gene, results from an A to G substitution at nucleotide position 1019. The tyrosine at codon 340 is replaced by cysteine, an amino acid with highly dissimilar properties. This amino acid position is well conserved in available vertebrate species. In addition, this alteration is predicted to be deleterious by in silico analysis. Since supporting evidence is limited at this time, the clinical significance of this alteration remains unclear.

NM_002880.4(RAF1):c.1019A>G (p.Tyr340Cys)

Gene: RAF1 (Raf-1 proto-oncogene, serine/threonine kinase; minus strand). Cytogenetic location: 3p25.2.
Variant type: single nucleotide variant.
Coding change: c.1019A>G on transcript NM_002880.4 (MANE Select); coding-DNA position 1019, A replaced by G.
Protein change: p.Tyr340Cys; replaces tyrosine 340 with cysteine.
Molecular consequence: missense variant. On other transcripts: non-coding transcript variant (3).
Genome position (GRCh38, 1-based): chr3:12,599,780, T>C on the plus strand (A>G on the coding strand, the complement: RAF1 is on the minus strand). VCF-style: chr3-12599780-T-C. GRCh37 (hg19) VCF-style: chr3-12641279-T-C.
Other names: c.1079A>G, p.Tyr360Cys (NM_001354689.3); c.1019A>G, p.Tyr340Cys (NM_001354690.3); c.776A>G, p.Tyr259Cys (NM_001354691.3, NM_001354692.3); c.920A>G, p.Tyr307Cys (NM_001354693.3); c.836A>G, p.Tyr279Cys (NM_001354694.3); c.677A>G, p.Tyr226Cys (NM_001354695.3); short protein forms Y226C, Y259C, Y340C, Y279C, Y307C, Y360C.
Identifiers: ClinVar variation 845011 (VCV000845011.12), dbSNP rs2058798881, ClinGen allele CA351507891.
Genomic context (GRCh38, chr3:12,599,780, plus strand): 5'-AAAGAGCCTGACCCAATCCGAGTGGACAGCATCACTTCACTGGCTTCTATTTCCCAATAA[T>C]AGCTTGAATCTCTCTGTCCACGAGGCCTCTGAAACAAGTAGAGATCATTATTATACTCCA-3'
Protein context (NP_002871.1, residues 330-350): IRPRGQRDSS[Tyr340Cys]YWEIEASEVM